The following is an entry in ClinVar:

ClinVar aggregate classification (germline): Uncertain significance (1 of 4 stars; one submission).

Submission:

Ambry Genetics
Classification: Uncertain significance. Last evaluated: 2026-08-12. Review status: criteria provided, single submitter. Criteria: Ambry Variant Classification Scheme 2023. Collection method: clinical testing. Allele origin: germline.
Comment: The p.S1002R variant (also known as c.3004A>C), located in coding exon 1 of the MLH3 gene, results from an A to C substitution at nucleotide position 3004. The serine at codon 1002 is replaced by arginine, an amino acid with dissimilar properties. This amino acid position is conserved. In addition, this alteration is predicted to be tolerated by in silico analysis. Based on the available evidence, the clinical significance of this variant remains unclear.

NM_001040108.2(MLH3):c.3004A>C (p.Ser1002Arg)

Gene: MLH3 (mutL homolog 3; minus strand). Cytogenetic location: 14q24.3.
Variant type: single nucleotide variant.
Coding change: c.3004A>C on transcript NM_001040108.2 (MANE Select); coding-DNA position 3004, A replaced by C.
Protein change: p.Ser1002Arg; replaces serine 1002 with arginine.
Molecular consequence: missense variant.
Genome position (GRCh38, 1-based): chr14:75,046,652, T>G on the plus strand (A>C on the coding strand, the complement: MLH3 is on the minus strand). VCF-style: chr14-75046652-T-G. GRCh37 (hg19) VCF-style: chr14-75513355-T-G.
Other names: c.3004A>C, p.Ser1002Arg (NM_014381.3); short protein forms S1002R.
Identifiers: ClinVar variation 5024626 (VCV005024626.1).